The following is an entry in ClinVar:

ClinVar aggregate classification (germline): Pathogenic (1 of 4 stars; one submission).

Conditions:
Intellectual developmental disorder with seizures and language delay (IDDSELD). Identifiers: MedGen C5436574, MONDO:0033559, OMIM 619000.

Submission:

Juno Genomics, Hangzhou Juno Genomics, Inc
Classification: Pathogenic for Intellectual developmental disorder with seizures and language delay. Review status: criteria provided, single submitter. Criteria: ACMG Guidelines, 2015. Collection method: clinical testing. Allele origin: germline. Affected: yes.
Comment: Absent from controls (or at extremely low frequency if recessive) in Genome Aggregation Database.;De novo (both maternity and paternity confirmed) in a patient with the disease and no family history.;Null variant in a gene where loss of function (LOF) is a known mechanism of disease.

NM_001353345.2(SETD1B):c.5157G>A (p.Trp1719Ter)

Gene: SETD1B (SET domain containing 1B, histone lysine methyltransferase; plus strand). Cytogenetic location: 12q24.31.
Variant type: single nucleotide variant.
Coding change: c.5157G>A on transcript NM_001353345.2 (MANE Select); coding-DNA position 5157, G replaced by A.
Protein change: p.Trp1719Ter; replaces tryptophan 1719 with a stop codon.
Molecular consequence: nonsense.
Genome position (GRCh38, 1-based): chr12:121,823,736, G>A. VCF-style: chr12-121823736-G-A. GRCh37 (hg19) VCF-style: chr12-122261642-G-A.
Other names: short protein forms W1719*.
Identifiers: ClinVar variation 5018578 (VCV005018578.1).